The following is an entry in ClinVar:

NM_019066.5(MAGEL2):c.1702G>A (p.Ala568Thr)

Gene: MAGEL2 (MAGE family member L2; minus strand). Cytogenetic location: 15q11.2.
Variant type: single nucleotide variant.
Coding change: c.1702G>A on transcript NM_019066.5 (MANE Select); coding-DNA position 1702, G replaced by A.
Protein change: p.Ala568Thr; replaces alanine 568 with threonine.
Molecular consequence: missense variant.
Genome position (GRCh38, 1-based): chr15:23,646,041, C>T on the plus strand (G>A on the coding strand, the complement: MAGEL2 is on the minus strand). VCF-style: chr15-23646041-C-T. GRCh37 (hg19) VCF-style: chr15-23891188-C-T.
Other names: short protein forms A568T.
Identifiers: ClinVar variation 3372840 (VCV003372840.1).

ClinVar aggregate classification (germline): Uncertain significance (1 of 4 stars; one submission).

Submission:

GeneDx
Classification: Uncertain significance. Last evaluated: 2024-04-23. Review status: criteria provided, single submitter. Criteria: GeneDx Variant Classification Process June 2021. Collection method: clinical testing. Allele origin: germline. Affected: yes.
Comment: Not observed at significant frequency in large population cohorts (gnomAD); Has not been previously published as pathogenic or benign to our knowledge; In-silico analysis is inconclusive as to whether the variant impacts protein structure/function. In the absence of functional studies, the actual effect of this sequence change is unknown